The following is an entry in ClinVar:

NM_003839.4(TNFRSF11A):c.1326G>A (p.Trp442Ter)

Gene: TNFRSF11A (TNF receptor superfamily member 11a; plus strand). Cytogenetic location: 18q21.33.
Variant type: single nucleotide variant.
Coding change: c.1326G>A on transcript NM_003839.4 (MANE Select); coding-DNA position 1326, G replaced by A.
Protein change: p.Trp442Ter; replaces tryptophan 442 with a stop codon.
Molecular consequence: nonsense. On other transcripts: intron variant (3).
Genome position (GRCh38, 1-based): chr18:62,369,243, G>A. VCF-style: chr18-62369243-G-A. GRCh37 (hg19) VCF-style: chr18-60036476-G-A.
Other names: c.616+9194G>A (NM_001270951.2); c.1284G>A, p.Trp428Ter (NM_001278268.2); c.783+2483G>A (NM_001270949.2); c.730+7450G>A (NM_001270950.2); short protein forms W428*, W442*.
Identifiers: ClinVar variation 4886411 (VCV004886411.2).

ClinVar aggregate classification (germline): Likely pathogenic (1 of 4 stars; one submission).

Submission:

Dasa
Classification: Likely pathogenic. Last evaluated: 2025-08-13. Review status: criteria provided, single submitter. Criteria: DASA Assertion Criteria. Collection method: clinical testing. Allele origin: germline.
Comment: NM_003839.4(TNFRSF11A):c.1326G>A (p.Trp442*) is a nonsense variant in TNFRSF11A predicted to introduce a premature termination codon and is predicted to result in an absent or altered protein product. Loss of function is an established disease mechanism for TNFRSF11A-associated disorders. Also, this variant is absent from population databases. Based on the currently available evidence, this variant is classified as likely pathogenic.